The following is an entry in ClinVar:

ClinVar aggregate classification (germline): Uncertain significance (1 of 4 stars; one submission).

Submission:

Labcorp Genetics (formerly Invitae), Labcorp
Classification: Uncertain significance. Last evaluated: 2023-12-19. Review status: criteria provided, single submitter. Criteria: Invitae Variant Classification Sherloc (09022015). Collection method: clinical testing. Allele origin: germline.
Comment: This sequence change replaces valine, which is neutral and non-polar, with glutamic acid, which is acidic and polar, at codon 136 of the NCKAP1L protein (p.Val136Glu). This variant is not present in population databases (gnomAD no frequency). This variant has not been reported in the literature in individuals affected with NCKAP1L-related conditions. An algorithm developed to predict the effect of missense changes on protein structure and function (PolyPhen-2) suggests that this variant is likely to be disruptive. In summary, the available evidence is currently insufficient to determine the role of this variant in disease. Therefore, it has been classified as a Variant of Uncertain Significance.

NM_005337.5(NCKAP1L):c.407T>A (p.Val136Glu)

Gene: NCKAP1L (NCK associated protein 1 like; plus strand). Cytogenetic location: 12q13.2.
Variant type: single nucleotide variant.
Coding change: c.407T>A on transcript NM_005337.5 (MANE Select); coding-DNA position 407, T replaced by A.
Protein change: p.Val136Glu; replaces valine 136 with glutamic acid.
Molecular consequence: missense variant.
Genome position (GRCh38, 1-based): chr12:54,508,432, T>A. VCF-style: chr12-54508432-T-A. GRCh37 (hg19) VCF-style: chr12-54902216-T-A.
Other names: c.257T>A, p.Val86Glu (NM_001184976.2); short protein forms V136E, V86E.
Identifiers: ClinVar variation 2859577 (VCV002859577.3), dbSNP rs778115089, ClinGen allele CA385128331.